The following is an entry in ClinVar:

ClinVar aggregate classification (germline): Uncertain significance (1 of 4 stars; one submission).

Allele frequency attached by ClinVar (database versions not stated): gnomAD exomes below 0.00001; ExAC 0.00001; gnomAD 0.00001; TOPMed 0.00002.
gnomAD v4.1: 6 of 1,613,652 alleles (0.00037%); highest among the groups gnomAD compares: Non-Finnish European, 0.00051%; no homozygotes.

Submission:

Labcorp Genetics (formerly Invitae), Labcorp
Classification: Uncertain significance. Last evaluated: 2024-01-29. Review status: criteria provided, single submitter. Criteria: Invitae Variant Classification Sherloc (09022015). Collection method: clinical testing. Allele origin: germline.
Comment: This sequence change replaces histidine, which is basic and polar, with arginine, which is basic and polar, at codon 906 of the FLNB protein (p.His906Arg). This variant is present in population databases (rs768308822, gnomAD 0.0009%). This variant has not been reported in the literature in individuals affected with FLNB-related conditions. Advanced modeling of protein sequence and biophysical properties (such as structural, functional, and spatial information, amino acid conservation, physicochemical variation, residue mobility, and thermodynamic stability) performed at Invitae indicates that this missense variant is not expected to disrupt FLNB protein function with a negative predictive value of 95%. In summary, the available evidence is currently insufficient to determine the role of this variant in disease. Therefore, it has been classified as a Variant of Uncertain Significance.

NM_001457.4(FLNB):c.2717A>G (p.His906Arg)

Gene: FLNB (filamin B; plus strand). Cytogenetic location: 3p14.3.
Variant type: single nucleotide variant.
Coding change: c.2717A>G on transcript NM_001457.4 (MANE Select); coding-DNA position 2717, A replaced by G.
Protein change: p.His906Arg; replaces histidine 906 with arginine.
Molecular consequence: missense variant.
Genome position (GRCh38, 1-based): chr3:58,112,290, A>G. VCF-style: chr3-58112290-A-G. GRCh37 (hg19) VCF-style: chr3-58098017-A-G.
Other names: c.2717A>G, p.His906Arg (NM_001164317.2, NM_001164318.2, NM_001164319.2); short protein forms H906R.
Identifiers: ClinVar variation 2869122 (VCV002869122.3), dbSNP rs768308822, ClinGen allele CA2468207.